The following is an entry in ClinVar:

ClinVar aggregate classification (germline): Pathogenic/Likely pathogenic. Review status: criteria provided, multiple submitters, no conflicts (2 of 4 stars). 4 submissions from 4 submitters: Pathogenic (2); Likely pathogenic (2). Last evaluated 2025-03-14.

Conditions:
Inborn genetic diseases. Identifiers: MedGen C0950123, MeSH D030342.
Deficiency of aromatic-L-amino-acid decarboxylase. Also called: Aromatic L-Amino Acid Decarboxylase Deficiency; AADC DEFICIENCY; DDC DEFICIENCY; DOPA DECARBOXYLASE DEFICIENCY; Aromatic amino acid decarboxylase deficiency. Identifiers: Orphanet 35708, MedGen C1291564, MONDO:0012084, OMIM 608643.

Submissions (4):

Ambry Genetics
Classification: Pathogenic for Inborn genetic diseases. Last evaluated: 2025-03-14. Review status: criteria provided, single submitter. Criteria: Ambry Variant Classification Scheme 2023. Collection method: clinical testing. Allele origin: germline.
Comment: The c.1241dupA (p.S416Ffs*6) alteration, located in exon 13 (coding exon 12) of the DDC gene, consists of a duplication of A at position 1241, causing a translational frameshift with a predicted alternate stop codon after 6 amino acids. This alteration is expected to result in loss of function by premature protein truncation or nonsense-mediated mRNA decay. This variant was not reported in population-based cohorts in the Genome Aggregation Database (gnomAD). Based on the available evidence, this alteration is classified as pathogenic.

Labcorp Genetics (formerly Invitae), Labcorp
Classification: Pathogenic for Deficiency of aromatic-L-amino-acid decarboxylase. Last evaluated: 2025-01-14. Review status: criteria provided, single submitter. Criteria: Invitae Variant Classification Sherloc (09022015). Collection method: clinical testing. Allele origin: germline.
Comment: This sequence change creates a premature translational stop signal (p.Ser416Phefs*6) in the DDC gene. It is expected to result in an absent or disrupted protein product. Loss-of-function variants in DDC are known to be pathogenic (PMID: 15079002, 24788355). This variant is not present in population databases (gnomAD no frequency). This variant has not been reported in the literature in individuals affected with DDC-related conditions. ClinVar contains an entry for this variant (Variation ID: 2429166). For these reasons, this variant has been classified as Pathogenic.

Fulgent Genetics
Classification: Likely pathogenic for Deficiency of aromatic-L-amino-acid decarboxylase. Last evaluated: 2024-04-29. Review status: criteria provided, single submitter. Criteria: ACMG Guidelines, 2015. Collection method: clinical testing. Allele origin: germline.

Women's Health and Genetics/Laboratory Corporation of America, LabCorp
Classification: Likely pathogenic for Deficiency of aromatic-L-amino-acid decarboxylase. Last evaluated: 2023-01-05. Review status: criteria provided, single submitter. Criteria: LabCorp Variant Classification Summary - May 2015. Collection method: clinical testing. Allele origin: germline.
Comment: Variant summary: DDC c.1241dupA (p.Ser416PhefsX6) results in a premature termination codon, predicted to cause a truncation of the encoded protein or absence of the protein due to nonsense mediated decay, which are commonly known mechanisms for disease. At least one truncation downstream of this position has been classified as pathogenic in ClinVar. The variant was absent in 251360 control chromosomes (gnomAD). To our knowledge, no occurrence of c.1241dupA in individuals affected with Deficiency Of Aromatic-L-Amino-Acid Decarboxylase and no experimental evidence demonstrating its impact on protein function have been reported. No clinical diagnostic laboratories have submitted clinical-significance assessments for this variant to ClinVar after 2014. Based on the evidence outlined above, the variant was classified as likely pathogenic.

Literature cited by the submitters: PubMed 15079002 (cited by Labcorp Genetics (formerly Invitae), Labcorp); PubMed 24788355 (cited by Labcorp Genetics (formerly Invitae), Labcorp).

NM_001082971.2(DDC):c.1241dup (p.Ser416fs)

Gene: DDC (dopa decarboxylase; minus strand). Cytogenetic location: 7p12.2.
Variant type: Duplication.
Coding change: c.1241dup on transcript NM_001082971.2 (MANE Select); coding-DNA position 1241, one base duplicated (A; older notation c.1241dupA).
Protein change: p.Ser416fs; shifts the reading frame from serine 416.
Molecular consequence: frameshift variant.
Genome position (GRCh38, 1-based): chr7:50,467,215, T duplicated on the plus strand (A on the coding strand, the reverse complement: DDC is on the minus strand); the first of 3 consecutive T bases (chr7:50,467,215-50,467,217); duplicating any one gives the same sequence. VCF-style (leftmost placement, unchanged base first): chr7-50467214-C-CT. GRCh37 (hg19) VCF-style: chr7-50534912-C-CT.
Other names: c.1241dup, p.Ser416fs (NM_000790.4); c.1127dup, p.Ser378fs (NM_001242886.2); c.1097dup, p.Ser368fs (NM_001242887.2); c.1007dup, p.Ser338fs (NM_001242888.2); c.962dup, p.Ser323fs (NM_001242889.2); short protein forms S323fs, S338fs, S368fs, S378fs, S416fs.
Identifiers: ClinVar variation 2429166 (VCV002429166.9), dbSNP rs1562980610, ClinGen allele CA918003143.